The following is an entry in ClinVar:

NM_182914.3(SYNE2):c.3338A>G (p.Asn1113Ser)

Gene: SYNE2 (spectrin repeat containing nuclear envelope protein 2; plus strand). Cytogenetic location: 14q23.2.
Variant type: single nucleotide variant.
Coding change: c.3338A>G on transcript NM_182914.3 (MANE Select); coding-DNA position 3338, A replaced by G.
Protein change: p.Asn1113Ser; replaces asparagine 1113 with serine.
Molecular consequence: missense variant.
Genome position (GRCh38, 1-based): chr14:63,998,313, A>G. VCF-style: chr14-63998313-A-G. GRCh37 (hg19) VCF-style: chr14-64465031-A-G.
Other names: c.3338A>G, p.Asn1113Ser (NM_015180.6); short protein forms N1113S.
Identifiers: ClinVar variation 3172708 (VCV003172708.3), dbSNP rs201832213, ClinGen allele CA7219932.

ClinVar aggregate classification (germline): Uncertain significance. Review status: criteria provided, multiple submitters, no conflicts (2 of 4 stars). 2 submissions from 2 submitters: Uncertain significance (2). Last evaluated 2024-10-24.

Conditions:
Emery-Dreifuss muscular dystrophy 5, autosomal dominant (EDMD5). Also called: EMERY-DREIFUSS MUSCULAR DYSTROPHY 5. Identifiers: Orphanet 261, MedGen C2751805, MONDO:0013072, OMIM 612999.

Allele frequency attached by ClinVar (database versions not stated): ExAC 0.00002; TOPMed 0.00002; gnomAD 0.00003; gnomAD exomes 0.00005.
gnomAD v4.1: 71 of 1,609,314 alleles (0.0044%); highest among the groups gnomAD compares: Non-Finnish European, 0.0058%; no homozygotes.

Submissions (2):

Labcorp Genetics (formerly Invitae), Labcorp
Classification: Uncertain significance for Emery-Dreifuss muscular dystrophy 5, autosomal dominant. Last evaluated: 2024-10-24. Review status: criteria provided, single submitter. Criteria: Invitae Variant Classification Sherloc (09022015). Collection method: clinical testing. Allele origin: germline.
Comment: This sequence change replaces asparagine, which is neutral and polar, with serine, which is neutral and polar, at codon 1113 of the SYNE2 protein (p.Asn1113Ser). This variant is present in population databases (rs201832213, gnomAD 0.004%). This variant has not been reported in the literature in individuals affected with SYNE2-related conditions. An algorithm developed to predict the effect of missense changes on protein structure and function outputs the following: PolyPhen-2: "Benign". The serine amino acid residue is found in multiple mammalian species, which suggests that this missense change does not adversely affect protein function. In summary, the available evidence is currently insufficient to determine the role of this variant in disease. Therefore, it has been classified as a Variant of Uncertain Significance.

Ambry Genetics
Classification: Uncertain significance. Last evaluated: 2024-01-19. Review status: criteria provided, single submitter. Criteria: Ambry Variant Classification Scheme 2023. Collection method: clinical testing. Allele origin: germline.